The following is an entry in ClinVar:

NM_006031.6(PCNT):c.3582G>T (p.Ala1194=)

Gene: PCNT (pericentrin; plus strand). Cytogenetic location: 21q22.3.
Variant type: single nucleotide variant.
Coding change: c.3582G>T on transcript NM_006031.6 (MANE Select); coding-DNA position 3582, G replaced by T.
Protein change: p.Ala1194=; no amino-acid change (alanine 1194 retained).
Molecular consequence: synonymous variant.
Genome position (GRCh38, 1-based): chr21:46,388,859, G>T. VCF-style: chr21-46388859-G-T. GRCh37 (hg19) VCF-style: chr21-47808774-G-T.
Other names: c.3582G>T (NM_006031.5); c.3228G>T, p.Ala1076= (NM_001315529.2).
Identifiers: ClinVar variation 2984509 (VCV002984509.4), dbSNP rs770777453, ClinGen allele CA512738019.

ClinVar aggregate classification (germline): Likely benign. Review status: criteria provided, single submitter (1 of 4 stars). 2 submissions from 2 submitters: Likely benign (1). 1 of the submissions does not count toward it. Last evaluated 2023-09-26.

Conditions:
PCNT-related disorder. Also called: PCNT-related condition.

gnomAD v4.1: 5 of 1,608,242 alleles (0.00031%); highest among the groups gnomAD compares: South Asian, 0.0011%; no homozygotes.

Submissions (2):

Labcorp Genetics (formerly Invitae), Labcorp
Classification: Likely benign. Last evaluated: 2023-09-26. Review status: criteria provided, single submitter. Criteria: Invitae Variant Classification Sherloc (09022015). Collection method: clinical testing. Allele origin: germline.

PreventionGenetics, part of Exact Sciences
Classification: Likely benign for PCNT-related condition. Last evaluated: 2022-12-22. Review status: no assertion criteria provided. Collection method: clinical testing. Allele origin: germline. Not counted in ClinVar's aggregate classification.
Comment: This variant is classified as likely benign based on ACMG/AMP sequence variant interpretation guidelines (Richards et al. 2015 PMID: 25741868, with internal and published modifications).